The following is an entry in ClinVar:

ClinVar aggregate classification (germline): Uncertain significance (1 of 4 stars; one submission).

Allele frequency attached by ClinVar (database versions not stated): gnomAD exomes 0.00001; TOPMed 0.00001; gnomAD 0.00003.
gnomAD v4.1: 11 of 1,614,000 alleles (0.00068%); highest among the groups gnomAD compares: African/African-American, 0.0053%; no homozygotes.

Submission:

GeneDx
Classification: Uncertain significance. Last evaluated: 2022-12-13. Review status: criteria provided, single submitter. Criteria: GeneDx Variant Classification Process June 2021. Collection method: clinical testing. Allele origin: germline. Affected: yes.
Comment: Not observed at significant frequency in large population cohorts (gnomAD); In silico analysis supports that this missense variant has a deleterious effect on protein structure/function; Has not been previously published as pathogenic or benign to our knowledge

NM_001715.3(BLK):c.1091C>T (p.Ala364Val)

Gene: BLK (BLK proto-oncogene, Src family tyrosine kinase). Cytogenetic location: 8p23.1.
Variant type: single nucleotide variant.
Coding change: c.1091C>T on transcript NM_001715.3 (MANE Select); coding-DNA position 1091, C replaced by T.
Protein change: p.Ala364Val; replaces alanine 364 with valine.
Molecular consequence: missense variant.
Genome position (GRCh38, 1-based): chr8:11,561,363, C>T. VCF-style: chr8-11561363-C-T. GRCh37 (hg19) VCF-style: chr8-11418872-C-T.
Other names: c.878C>T, p.Ala293Val (NM_001330465.2); short protein forms A293V, A364V.
Identifiers: ClinVar variation 2505931 (VCV002505931.1), dbSNP rs1460177220, ClinGen allele CA370316028.